The following is an entry in ClinVar:

ClinVar aggregate classification (germline): Uncertain significance. Review status: criteria provided, multiple submitters, no conflicts (2 of 4 stars). 2 submissions from 2 submitters: Uncertain significance (2). Last evaluated 2026-05-05.

Conditions:
Inborn genetic diseases. Identifiers: MedGen C0950123, MeSH D030342.
GTP cyclohydrolase I deficiency. Identifiers: MedGen C0268467, MONDO:0100184.
Dystonia 5 (DRD). Also called: DYT-GCH1; DYSTONIA, PROGRESSIVE, WITH DIURNAL VARIATION; DYSTONIA-PARKINSONISM WITH DIURNAL FLUCTUATION; GTP Cyclohydrolase 1-Deficient Dopa-Responsive Dystonia; Dystonia, DOPA-responsive, with or without hyperphenylalaninemia. Identifiers: Orphanet 98808, MedGen C1851920, MONDO:0007495, OMIM 128230.

Submissions (2):

Ambry Genetics
Classification: Uncertain significance for Inborn genetic diseases. Last evaluated: 2026-05-05. Review status: criteria provided, single submitter. Criteria: Ambry Variant Classification Scheme 2023. Collection method: clinical testing. Allele origin: germline.

Labcorp Genetics (formerly Invitae), Labcorp
Classification: Uncertain significance for GTP cyclohydrolase I deficiency; Dystonia 5. Last evaluated: 2024-06-04. Review status: criteria provided, single submitter. Criteria: Invitae Variant Classification Sherloc (09022015). Collection method: clinical testing. Allele origin: germline.
Comment: This sequence change replaces arginine, which is basic and polar, with tryptophan, which is neutral and slightly polar, at codon 25 of the GCH1 protein (p.Arg25Trp). This variant is not present in population databases (gnomAD no frequency). This variant has not been reported in the literature in individuals affected with GCH1-related conditions. ClinVar contains an entry for this variant (Variation ID: 2182754). Advanced modeling of protein sequence and biophysical properties (such as structural, functional, and spatial information, amino acid conservation, physicochemical variation, residue mobility, and thermodynamic stability) performed at Invitae indicates that this missense variant is not expected to disrupt GCH1 protein function with a negative predictive value of 95%. In summary, the available evidence is currently insufficient to determine the role of this variant in disease. Therefore, it has been classified as a Variant of Uncertain Significance.

NM_000161.3(GCH1):c.73C>T (p.Arg25Trp)

Genes: GCH1 (GTP cyclohydrolase 1; minus strand), LOC130055692 (ATAC-STARR-seq lymphoblastoid silent region 5776; plus strand). Cytogenetic location: 14q22.2.
Variant type: single nucleotide variant.
Coding change: c.73C>T on transcript NM_000161.3 (MANE Select); coding-DNA position 73, C replaced by T.
Protein change: p.Arg25Trp; replaces arginine 25 with tryptophan.
Molecular consequence: missense variant.
Genome position (GRCh38, 1-based): chr14:54,902,591, G>A on the plus strand (C>T on the coding strand, the complement: GCH1 is on the minus strand). VCF-style: chr14-54902591-G-A. GRCh37 (hg19) VCF-style: chr14-55369309-G-A.
Other names: c.73C>T, p.Arg25Trp (NM_001024024.2, NM_001024070.2, NM_001024071.2); c.73C>T (NM_000161.2); short protein forms R25W.
Identifiers: ClinVar variation 2182754 (VCV002182754.5), dbSNP rs2040586271, ClinGen allele CA389794534.